The following is an entry in ClinVar:

NM_198578.4(LRRK2):c.1286A>C (p.Asn429Thr)

Gene: LRRK2 (leucine rich repeat kinase 2; plus strand). Cytogenetic location: 12q12.
Variant type: single nucleotide variant.
Coding change: c.1286A>C on transcript NM_198578.4 (MANE Select); coding-DNA position 1286, A replaced by C.
Protein change: p.Asn429Thr; replaces asparagine 429 with threonine.
Molecular consequence: missense variant.
Genome position (GRCh38, 1-based): chr12:40,253,014, A>C. VCF-style: chr12-40253014-A-C. GRCh37 (hg19) VCF-style: chr12-40646816-A-C.
Other names: short protein forms N429T.
Identifiers: ClinVar variation 3705946 (VCV003705946.2).
Genomic context (GRCh38, chr12:40,253,014, plus strand): 5'-CTTCATCAAAGGAAGTTTTCCAGGCATCTGCGAATGCATTGTCAACTCTCTTAGAACAAA[A>C]TGGTAAGCAGTGGGCCATGTTTTCAAATAAAGGGAAACACATTTTTGTGGTATTTTTAAT-3'
Protein context (NP_940980.4, residues 419-439): ANALSTLLEQ[Asn429Thr]VNFRKILLSK

ClinVar aggregate classification (germline): Uncertain significance (1 of 4 stars; one submission).

Conditions:
Autosomal dominant Parkinson disease 8. Also called: LRRK2-Related Parkinson Disease; Parkinson disease 8; Parkinson disease 8, susceptibility to. Identifiers: Orphanet 411602, MedGen C1846862, MONDO:0011764, OMIM 607060.

gnomAD v4.1: 1 of 1,605,496 alleles (0.000062%); highest among the groups gnomAD compares: Non-Finnish European, 0.000085%; no homozygotes.

Submission:

Labcorp Genetics (formerly Invitae), Labcorp
Classification: Uncertain significance for Autosomal dominant Parkinson disease 8. Last evaluated: 2024-03-26. Review status: criteria provided, single submitter. Criteria: Invitae Variant Classification Sherloc (09022015). Collection method: clinical testing. Allele origin: germline.
Comment: This sequence change replaces asparagine, which is neutral and polar, with threonine, which is neutral and polar, at codon 429 of the LRRK2 protein (p.Asn429Thr). This variant is present in population databases (no rsID available, gnomAD 0.007%). This variant has not been reported in the literature in individuals affected with LRRK2-related conditions. An algorithm developed to predict the effect of missense changes on protein structure and function (PolyPhen-2) suggests that this variant is likely to be disruptive. In summary, the available evidence is currently insufficient to determine the role of this variant in disease. Therefore, it has been classified as a Variant of Uncertain Significance.